The following is an entry in ClinVar:

NM_001267550.2(TTN):c.11658T>G (p.Asp3886Glu)

Gene: TTN (titin; minus strand). Cytogenetic location: 2q31.2.
Variant type: single nucleotide variant.
Coding change: c.11658T>G on transcript NM_001267550.2 (MANE Select); coding-DNA position 11658, T replaced by G.
Protein change: p.Asp3886Glu; replaces aspartic acid 3886 with glutamic acid.
Molecular consequence: missense variant. On other transcripts: intron variant (1).
Genome position (GRCh38, 1-based): chr2:178,741,575, A>C on the plus strand (T>G on the coding strand, the complement: TTN is on the minus strand). VCF-style: chr2-178741575-A-C. GRCh37 (hg19) VCF-style: chr2-179606302-A-C.
Other names: c.10707T>G, p.Asp3569Glu (NM_001256850.1); c.10569T>G, p.Asp3523Glu (NM_003319.4); c.10944T>G, p.Asp3648Glu (NM_133432.3); c.11145T>G, p.Asp3715Glu (NM_133437.4); c.10361-3215T>G (NM_133378.4); short protein forms D3569E, D3715E, D3523E, D3648E, D3886E.
Identifiers: ClinVar variation 5006162 (VCV005006162.2).

ClinVar aggregate classification (germline): Uncertain significance (1 of 4 stars; one submission).

Conditions:
Dilated cardiomyopathy 1G (CMD1G). Identifiers: Orphanet 154, MedGen C1858763, MONDO:0011400, OMIM 604145.

gnomAD v4.1: 1 of 1,613,850 alleles (0.000062%); highest among the groups gnomAD compares: East Asian, 0.0022%; no homozygotes.

Submission:

Juno Genomics, Hangzhou Juno Genomics, Inc
Classification: Uncertain significance for Dilated cardiomyopathy 1G. Review status: criteria provided, single submitter. Criteria: ACMG Guidelines, 2015. Collection method: clinical testing. Allele origin: germline.
Comment: Absent from controls (or at extremely low frequency if recessive) in Genome Aggregation Database.;Missense variant in a gene that has a low rate of benign missense variation.